The following is an entry in ClinVar:

ClinVar aggregate classification (germline): Uncertain significance. Review status: criteria provided, multiple submitters, no conflicts (2 of 4 stars). 3 submissions from 3 submitters: Uncertain significance (3). Last evaluated 2025-12-22.

Conditions:
Inborn genetic diseases. Identifiers: MedGen C0950123, MeSH D030342.
Asphyxiating thoracic dystrophy 5 (SRTD5). Also called: SHORT-RIB THORACIC DYSPLASIA 5 WITHOUT POLYDACTYLY; SHORT-RIB THORACIC DYSPLASIA 5 WITH OR WITHOUT POLYDACTYLY. Identifiers: Orphanet 474, MedGen C3280598, MONDO:0013717, OMIM 614376.
Senior-Loken syndrome 8 (SLSN8). Identifiers: Orphanet 3156, MedGen C4225376, MONDO:0014579, OMIM 616307.

Allele frequency attached by ClinVar (database versions not stated): ExAC 0.00001; gnomAD 0.00001.
gnomAD v4.1: 8 of 1,613,730 alleles (0.0005%); highest among the groups gnomAD compares: South Asian, 0.0022%; no homozygotes.

Submissions (3):

Labcorp Genetics (formerly Invitae), Labcorp
Classification: Uncertain significance for Senior-Loken syndrome 8; Asphyxiating thoracic dystrophy 5. Last evaluated: 2025-12-22. Review status: criteria provided, single submitter. Criteria: Invitae Variant Classification Sherloc (09022015). Collection method: clinical testing. Allele origin: germline.
Comment: This sequence change replaces arginine, which is basic and polar, with glycine, which is neutral and non-polar, at codon 829 of the WDR19 protein (p.Arg829Gly). This variant is present in population databases (rs775181779, gnomAD 0.003%). This variant has not been reported in the literature in individuals affected with WDR19-related conditions. ClinVar contains an entry for this variant (Variation ID: 2415476). Invitae Evidence Modeling of protein sequence and biophysical properties (such as structural, functional, and spatial information, amino acid conservation, physicochemical variation, residue mobility, and thermodynamic stability) has been performed for this missense variant. However, the output from this modeling did not meet the statistical confidence thresholds required to predict the impact of this variant on WDR19 protein function. In summary, the available evidence is currently insufficient to determine the role of this variant in disease. Therefore, it has been classified as a Variant of Uncertain Significance.

Ambry Genetics
Classification: Uncertain significance for Inborn genetic diseases. Last evaluated: 2024-02-13. Review status: criteria provided, single submitter. Criteria: Ambry Variant Classification Scheme 2023. Collection method: clinical testing. Allele origin: germline.

Blueprint Genetics
Classification: Uncertain significance. Last evaluated: 2022-04-21. Review status: criteria provided, single submitter. Criteria: ACMG Guidelines, 2015. Collection method: clinical testing. Allele origin: germline.

NM_025132.4(WDR19):c.2485C>G (p.Arg829Gly)

Gene: WDR19 (WD repeat domain 19; plus strand). Cytogenetic location: 4p14.
Variant type: single nucleotide variant.
Coding change: c.2485C>G on transcript NM_025132.4 (MANE Select); coding-DNA position 2485, C replaced by G.
Protein change: p.Arg829Gly; replaces arginine 829 with glycine.
Molecular consequence: missense variant.
Genome position (GRCh38, 1-based): chr4:39,244,311, C>G. VCF-style: chr4-39244311-C-G. GRCh37 (hg19) VCF-style: chr4-39245931-C-G.
Other names: c.2005C>G, p.Arg669Gly (NM_001317924.2); c.2485C>G (NM_025132.3); short protein forms R669G, R829G.
Identifiers: ClinVar variation 2415476 (VCV002415476.7), dbSNP rs775181779, ClinGen allele CA2892093.
Genomic context (GRCh38, chr4:39,244,311, plus strand): 5'-CATGATGAAGCTTGTCTGGCTGGAGTGGCCCAGATGTCCATAAGAATGGGAGACATACGT[C>G]GAGGGGTTAACCAAGCCCTCAAGCATCCCAGCAGGGTCCTTAAAAGAGACTGTGGAGCCA-3'
Protein context (NP_079408.3, residues 819-839): QMSIRMGDIR[Arg829Gly]GVNQALKHPS